The following is an entry in ClinVar:

NM_001376.5(DYNC1H1):c.9865G>C (p.Val3289Leu)

Gene: DYNC1H1 (dynein cytoplasmic 1 heavy chain 1; plus strand). Cytogenetic location: 14q32.31.
Variant type: single nucleotide variant.
Coding change: c.9865G>C on transcript NM_001376.5 (MANE Select); coding-DNA position 9865, G replaced by C.
Protein change: p.Val3289Leu; replaces valine 3289 with leucine.
Molecular consequence: missense variant.
Genome position (GRCh38, 1-based): chr14:102,030,264, G>C. VCF-style: chr14-102030264-G-C. GRCh37 (hg19) VCF-style: chr14-102496601-G-C.
Other names: short protein forms V3289L.
Identifiers: ClinVar variation 1950116 (VCV001950116.5), dbSNP rs2503813411, ClinGen allele CA391018562.

ClinVar aggregate classification (germline): Uncertain significance (1 of 4 stars; one submission).

Conditions:
Charcot-Marie-Tooth disease axonal type 2O. Also called: CHARCOT-MARIE-TOOTH NEUROPATHY, AXONAL, TYPE 2O; CHARCOT-MARIE-TOOTH DISEASE, AXONAL, AUTOSOMAL DOMINANT, TYPE 2O; Charcot-Marie-Tooth Neuropathy Type 2O; Charcot-Marie-Tooth disease, axonal, type 20. Identifiers: Orphanet 284232, MedGen C3280220, MONDO:0013644, OMIM 614228.

Submission:

Labcorp Genetics (formerly Invitae), Labcorp
Classification: Uncertain significance for Charcot-Marie-Tooth disease axonal type 2O. Last evaluated: 2022-04-09. Review status: criteria provided, single submitter. Criteria: Invitae Variant Classification Sherloc (09022015). Collection method: clinical testing. Allele origin: germline.
Comment: This sequence change replaces valine, which is neutral and non-polar, with leucine, which is neutral and non-polar, at codon 3289 of the DYNC1H1 protein (p.Val3289Leu). This variant is not present in population databases (gnomAD no frequency). In summary, the available evidence is currently insufficient to determine the role of this variant in disease. Therefore, it has been classified as a Variant of Uncertain Significance. Advanced modeling of protein sequence and biophysical properties (such as structural, functional, and spatial information, amino acid conservation, physicochemical variation, residue mobility, and thermodynamic stability) performed at Invitae indicates that this missense variant is not expected to disrupt DYNC1H1 protein function. This variant has not been reported in the literature in individuals affected with DYNC1H1-related conditions.